The following is an entry in ClinVar:

ClinVar aggregate classification (germline): Pathogenic. Review status: reviewed by expert panel (3 of 4 stars). 5 submissions from 5 submitters: Pathogenic (1). 4 of the submissions do not count toward it. Last evaluated 2017-12-15.

Conditions:
Hereditary breast ovarian cancer syndrome. Also called: Hereditary breast and ovarian cancer syndrome; Hereditary breast and ovarian cancer; Hereditary breast and ovarian cancer syndrome (HBOC); Breast and ovarian cancer; Hereditary breast and/or ovarian cancer syndrome; BRCA1- and BRCA2-Associated Hereditary Breast and Ovarian Cancer. Identifiers: Orphanet 145, MedGen C0677776, MeSH D061325, MONDO:0003582. Disease mechanism: loss of function.
Familial cancer of breast. Also called: BREAST CANCER, FAMILIAL; Hereditary breast cancer; hereditary breast carcinoma. Identifiers: Orphanet 227535, MedGen C0346153, MONDO:0016419, OMIM 114480. Disease mechanism: loss of function.
Hereditary cancer-predisposing syndrome. Also called: Neoplastic Syndromes, Hereditary; Tumor predisposition; Hereditary Cancer Syndrome; Hereditary neoplastic syndrome. Identifiers: Orphanet 140162, MedGen C0027672, MeSH D009386, MONDO:0015356.
Breast-ovarian cancer, familial, susceptibility to, 2 (BROVCA2). Also called: BRCA2 Hereditary Breast and Ovarian Cancer. Identifiers: Orphanet 145, MedGen C2675520, MONDO:0012933, OMIM 612555. Disease mechanism: loss of function.

Submissions (5):

Evidence-based Network for the Interpretation of Germline Mutant Alleles (ENIGMA)
Classification: Pathogenic for Breast-ovarian cancer, familial, susceptibility to, 2. Last evaluated: 2017-12-15. Review status: reviewed by expert panel. Criteria: ENIGMA BRCA1/2 Classification Criteria (2017-06-29). Collection method: curation. Allele origin: germline. Study: ENIGMA.
Comment: Variant allele predicted to encode a truncated non-functional protein.

Ambry Genetics
Classification: Pathogenic for Hereditary cancer-predisposing syndrome. Last evaluated: 2025-08-22. Review status: criteria provided, single submitter. Criteria: Ambry Variant Classification Scheme 2023. Collection method: clinical testing. Allele origin: germline. Not counted in ClinVar's aggregate classification.
Comment: The c.2774_2775delCT pathogenic mutation, located in coding exon 10 of the BRCA2 gene, results from a deletion of two nucleotides at nucleotide positions 2774 to 2775, causing a translational frameshift with a predicted alternate stop codon (p.S925Yfs*10). This variant is considered to be rare based on population cohorts in the Genome Aggregation Database (gnomAD). This alteration is expected to result in loss of function by premature protein truncation or nonsense-mediated mRNA decay. As such, this alteration is interpreted as a disease-causing mutation.

Color Diagnostics, LLC DBA Color Health
Classification: Pathogenic for Hereditary cancer-predisposing syndrome. Last evaluated: 2024-01-22. Review status: criteria provided, single submitter. Criteria: ACMG Guidelines, 2015. Collection method: clinical testing. Allele origin: germline. Not counted in ClinVar's aggregate classification.
Comment: This variant deletes 2 nucleotides in exon 11 of the BRCA2 gene, creating a frameshift and premature translation stop signal. This variant is expected to result in an absent or non-functional protein product. To our knowledge, this variant has not been reported in individuals affected with BRCA2-related disorders in the literature. This variant has not been identified in the general population by the Genome Aggregation Database (gnomAD). Loss of BRCA2 function is a known mechanism of disease. Based on the available evidence, this variant is classified as Pathogenic.

Women's Health and Genetics/Laboratory Corporation of America, LabCorp
Classification: Pathogenic for Hereditary breast and ovarian cancer syndrome. Last evaluated: 2020-09-03. Review status: criteria provided, single submitter. Criteria: LabCorp Variant Classification Summary - May 2015. Collection method: clinical testing. Allele origin: germline. Not counted in ClinVar's aggregate classification.
Comment: Variant summary: BRCA2 c.2774_2775delCT (p.Ser925TyrfsX10) results in a premature termination codon, predicted to cause a truncation of the encoded protein or absence of the protein due to nonsense mediated decay, which are commonly known mechanisms for disease. Truncations downstream of this position have been classified as pathogenic by our laboratory. The variant was absent in 250816 control chromosomes. c.2774_2775delCT has been reported in the literature in a family affected with Hereditary Breast And Ovarian Cancer Syndrome (Torres_2009). To our knowledge, no experimental evidence demonstrating an impact on protein function has been reported. An expert panel (ENIGMA) has submitted clinical-significance assessments for this variant to ClinVar after 2014 without evidence for independent evaluation and classified the variant as pathogenic. Based on the evidence outlined above, the variant was classified as pathogenic.

ClinVar Staff, National Center for Biotechnology Information (NCBI)
No classification provided. Condition: Familial cancer of breast. Review status: no classification provided. Collection method: literature only. Allele origin: germline. Affected: yes. Not counted in ClinVar's aggregate classification.

Literature cited by the submitters: PubMed 27974384 (cited by Women's Health and Genetics/Laboratory Corporation of America, LabCorp); PubMed 19715467 (cited by Women's Health and Genetics/Laboratory Corporation of America, LabCorp and ClinVar Staff, National Center for Biotechnology Information (NCBI)).

NM_000059.4(BRCA2):c.2774_2775del (p.Ser925fs)

Gene: BRCA2 (BRCA2 DNA repair associated; plus strand). Cytogenetic location: 13q13.1.
Variant type: Microsatellite.
Coding change: c.2774_2775del on transcript NM_000059.4 (MANE Select); coding-DNA positions 2774 to 2775, 2 bases deleted (CT; older notation c.2774_2775delCT).
Protein change: p.Ser925fs; shifts the reading frame from serine 925.
Molecular consequence: frameshift variant.
Genome position (GRCh38, 1-based): chr13:32,337,129-32,337,130, CT deleted; deleting any 2 consecutive bases within chr13:32,337,127-32,337,130 gives the same sequence; the c. name uses the placement nearest the transcript's 3' end. VCF-style (leftmost placement, unchanged base first): chr13-32337126-ACT-A. GRCh37 (hg19) VCF-style: chr13-32911263-ACT-A.
Other names: c.2774_2775delCT (NM_000059.3); short protein forms S925fs.
Identifiers: ClinVar variation 51342 (VCV000051342.6), dbSNP rs397507641, ClinGen allele CA016331.